The following is an entry in ClinVar:

ClinVar aggregate classification (germline): Likely benign (1 of 4 stars; one submission).

gnomAD v4.1: 87 of 1,613,990 alleles (0.0054%); highest among the groups gnomAD compares: Non-Finnish European, 0.0069%; no homozygotes.

Submission:

Mayo Clinic Laboratories, Mayo Clinic
Classification: Likely benign. Last evaluated: 2025-04-16. Review status: criteria provided, single submitter. Criteria: ACMG Guidelines, 2015. Collection method: clinical testing. Allele origin: germline. Observed: 1 variant allele.
Comment: BP4, BP7, PM2_supporting

NM_000476.3(AK1):c.*5G>A

Genes: AK1 (adenylate kinase 1; minus strand), ST6GALNAC4-ST6GALNAC6-AK1 (ST6GALNAC4-ST6GALNAC6-AK1 readthrough; minus strand), LOC124310650 (Sharpr-MPRA regulatory region 6524; plus strand). Cytogenetic location: 9q34.11.
Variant type: single nucleotide variant.
Coding change: c.*5G>A on transcript NM_000476.3 (MANE Select); 5 bases downstream of the stop codon, G replaced by A.
Molecular consequence: 3 prime UTR variant. On other transcripts: non-coding transcript variant (8).
Genome position (GRCh38, 1-based): chr9:127,868,003, C>T on the plus strand (G>A on the coding strand, the complement: AK1 is on the minus strand). VCF-style: chr9-127868003-C-T. GRCh37 (hg19) VCF-style: chr9-130630282-C-T.
Other names: p.?; c.*5G>A (NM_001318121.1, NM_001318122.2).
Identifiers: ClinVar variation 4683431 (VCV004683431.1).
Genomic context (GRCh38, chr9:127,868,003, plus strand): 5'-AGGAGGACCTCGAATCAGGACGGGGTGGGGCGGGGCTCTGAGCTGGGGAAGCGGCTCCAG[C>T]GTTGCTACTTTAGGGCGTCCAGGTGGGTGCAGACCTGGGAGAAGACACTGTCCACGGAGC-3'